The following is an entry in ClinVar:

NM_139076.3(ABRAXAS1):c.214A>C (p.Ser72Arg)

Gene: ABRAXAS1 (abraxas 1, BRCA1 A complex subunit; minus strand). Cytogenetic location: 4q21.23.
Variant type: single nucleotide variant.
Coding change: c.214A>C on transcript NM_139076.3 (MANE Select); coding-DNA position 214, A replaced by C.
Protein change: p.Ser72Arg; replaces serine 72 with arginine.
Molecular consequence: missense variant. On other transcripts: 5 prime UTR variant (1).
Genome position (GRCh38, 1-based): chr4:83,476,644, T>G on the plus strand (A>C on the coding strand, the complement: ABRAXAS1 is on the minus strand). VCF-style: chr4-83476644-T-G. GRCh37 (hg19) VCF-style: chr4-84397797-T-G.
Other names: c.-47A>C (NM_001345962.2); short protein forms S72R.
Identifiers: ClinVar variation 4844794 (VCV004844794.1).

ClinVar aggregate classification (germline): Uncertain significance (1 of 4 stars; one submission).

gnomAD v4.1: 1 of 1,564,068 alleles (0.000064%); highest among the groups gnomAD compares: Non-Finnish European, 0.000088%; no homozygotes.

Submission:

Ambry Genetics
Classification: Uncertain significance. Last evaluated: 2026-02-17. Review status: criteria provided, single submitter. Criteria: Ambry Variant Classification Scheme 2023. Collection method: clinical testing. Allele origin: germline.
Comment: The p.S72R variant (also known as c.214A>C), located in coding exon 3 of the FAM175A gene, results from an A to C substitution at nucleotide position 214. The serine at codon 72 is replaced by arginine, an amino acid with dissimilar properties. This amino acid position is conserved. In addition, this alteration is predicted to be tolerated by in silico analysis. Based on the available evidence, the clinical significance of this variant remains unclear.